The following is an entry in ClinVar:

ClinVar aggregate classification (germline): Uncertain significance (1 of 4 stars; one submission).

Submission:

CeGaT Center for Human Genetics Tuebingen
Classification: Uncertain significance. Last evaluated: 2025-05-01. Review status: criteria provided, single submitter. Criteria: CeGaT Center For Human Genetics Tuebingen Variant Classification Criteria Version 2. Collection method: clinical testing. Allele origin: germline. Affected: yes. Observed: 1 variant allele.
Comment: ACVRL1: PM2:Supporting, BP4

NM_000020.3(ACVRL1):c.1365G>C (p.Leu455=)

Gene: ACVRL1 (activin A receptor like type 1; plus strand). Cytogenetic location: 12q13.13.
Variant type: single nucleotide variant.
Coding change: c.1365G>C on transcript NM_000020.3 (MANE Select); coding-DNA position 1365, G replaced by C.
Protein change: p.Leu455=; no amino-acid change (leucine 455 retained).
Molecular consequence: synonymous variant.
Genome position (GRCh38, 1-based): chr12:51,919,103, G>C. VCF-style: chr12-51919103-G-C. GRCh37 (hg19) VCF-style: chr12-52312887-G-C.
Other names: c.1365G>C, p.Leu455= (NM_001077401.2, NM_001406487.1, NM_001406488.1 and 1 more transcripts); c.1209G>C, p.Leu403= (NM_001406490.1); c.1053G>C, p.Leu351= (NM_001406491.1, NM_001406492.1, NM_001406493.1); c.855G>C, p.Leu285= (NM_001406494.1); c.801G>C, p.Leu267= (NM_001406495.1).
Identifiers: ClinVar variation 3905950 (VCV003905950.10).